The following is an entry in ClinVar:

NM_001958.5(EEF1A2):c.772+13G>A

Gene: EEF1A2 (eukaryotic translation elongation factor 1 alpha 2; minus strand). Cytogenetic location: 20q13.33.
Variant type: single nucleotide variant.
Coding change: c.772+13G>A on transcript NM_001958.5 (MANE Select); 13 bases into the intron after coding-DNA position 772, G replaced by A.
Molecular consequence: intron variant.
Genome position (GRCh38, 1-based): chr20:63,493,124, C>T on the plus strand (G>A on the coding strand, the complement: EEF1A2 is on the minus strand). VCF-style: chr20-63493124-C-T. GRCh37 (hg19) VCF-style: chr20-62124477-C-T.
Identifiers: ClinVar variation 515005 (VCV000515005.10), dbSNP rs376455856, ClinGen allele CA9959039.

ClinVar aggregate classification (germline): Benign/Likely benign. Review status: criteria provided, multiple submitters, no conflicts (2 of 4 stars). 3 submissions from 3 submitters: Benign (1); Likely benign (2). Last evaluated 2026-01-28.

Conditions:
Developmental and epileptic encephalopathy, 33 (DEE33). Also called: Epileptic encephalopathy, early infantile, 33. Identifiers: Orphanet 442835, MedGen C4225337, MONDO:0014625, OMIM 616409.

Allele frequency attached by ClinVar (database versions not stated): gnomAD 0.00041 and 0.00040; TOPMed 0.00042; gnomAD exomes 0.00009; ExAC 0.00023; 1000 Genomes Project 30x 0.00031; ESP Exome Variant Server 0.00036; 1000 Genomes Project 0.00040.
gnomAD v4.1: 102 of 1,545,840 alleles (0.0066%); highest among the groups gnomAD compares: African/African-American, 0.12%; no homozygotes.

Submissions (3):

Labcorp Genetics (formerly Invitae), Labcorp
Classification: Benign for Developmental and epileptic encephalopathy, 33. Last evaluated: 2026-01-28. Review status: criteria provided, single submitter. Criteria: Invitae Variant Classification Sherloc (09022015). Collection method: clinical testing. Allele origin: germline.

Blueprint Genetics
Classification: Likely benign. Last evaluated: 2024-03-19. Review status: criteria provided, single submitter. Criteria: ACMG Guidelines, 2015. Collection method: clinical testing. Allele origin: germline.

GeneDx
Classification: Likely benign. Last evaluated: 2018-01-19. Review status: criteria provided, single submitter. Criteria: GeneDx Variant Classification (06012015). Collection method: clinical testing. Allele origin: germline. Affected: yes.
Comment: This variant is considered likely benign or benign based on one or more of the following criteria: it is a conservative change, it occurs at a poorly conserved position in the protein, it is predicted to be benign by multiple in silico algorithms, and/or has population frequency not consistent with disease.